The following is an entry in ClinVar:

NM_153717.3(EVC):c.2562-3del

Gene: EVC (EvC ciliary complex subunit 1; plus strand). Cytogenetic location: 4p16.2.
Variant type: Deletion.
Coding change: c.2562-3del on transcript NM_153717.3 (MANE Select); 3 bases into the intron before coding-DNA position 2562, one base deleted (C; older notation c.2562-3delC).
Molecular consequence: intron variant.
Genome position (GRCh38, 1-based): chr4:5,808,198, C deleted; the last of 6 consecutive C bases (chr4:5,808,193-5,808,198); deleting any one gives the same sequence. VCF-style (leftmost placement, unchanged base first): chr4-5808192-TC-T. GRCh37 (hg19) VCF-style: chr4-5809919-TC-T.
Other names: c.2562-3delC (NM_153717.3); c.2562-3del (NM_001306090.2).
Identifiers: ClinVar variation 2151027 (VCV002151027.5), dbSNP rs780164400, ClinGen allele CA2836605.
Genomic context (GRCh38, chr4:5,808,192, plus strand): 5'-TCCCTCCCTCCCTCCCTCCCTCCCTCCCTTCCTTCCTCCCTGCCAGCCTGCCTGCCTTCC[TC>T]CCCCCAGGATGCTGTCCCAGCAGAAGAGGTTCCTGGCCCAGTTCCCAGTGCACCAGCAGA-3'

ClinVar aggregate classification (germline): Conflicting classifications of pathogenicity. Review status: criteria provided, conflicting classifications (1 of 4 stars). 2 submissions from 2 submitters: Uncertain significance (1); Benign (1). Last evaluated 2024-08-09.

Conditions:
Ellis-van Creveld syndrome (EVC). Also called: Chondroectodermal dysplasia; EVC-Related Ellis-van Creveld Syndrome; EVC2-Related Ellis-van Creveld Syndrome; MESOECTODERMAL DYSPLASIA. Identifiers: Orphanet 289, MedGen C0013903, MONDO:0009162, OMIM 225500.
Curry-Hall syndrome (WAD). Also called: WEYERS ACRODENTAL DYSOSTOSIS. Identifiers: Orphanet 952, MedGen C0457013, MONDO:0008673, OMIM 193530.

Submissions (2):

Women's Health and Genetics/Laboratory Corporation of America, LabCorp
Classification: Uncertain significance. Last evaluated: 2024-08-09. Review status: criteria provided, single submitter. Criteria: LabCorp Variant Classification Summary - May 2015. Collection method: clinical testing. Allele origin: germline.
Comment: Variant summary: EVC c.2562-3delC alters a non-conserved nucleotide located close to a canonical splice site and therefore could affect mRNA splicing, leading to a significantly altered protein sequence. Consensus agreement among computation tools predict no significant impact on normal splicing. However, these predictions have yet to be confirmed by functional studies. The variant allele was found at a frequency of 6.9e-05 in 231338 control chromosomes. This frequency is not significantly higher than estimated for a pathogenic variant in EVC causing Ellis-van Creveld syndrome, allowing no conclusion about variant significance. To our knowledge, no occurrence of c.2562-3delC in individuals affected with Ellis-van Creveld syndrome and no experimental evidence demonstrating its impact on protein function have been reported. ClinVar contains an entry for this variant (Variation ID: 2151027). Based on the evidence outlined above, the variant was classified as uncertain significance.

Labcorp Genetics (formerly Invitae), Labcorp
Classification: Benign for Curry-Hall syndrome; Ellis-van Creveld syndrome. Last evaluated: 2024-07-27. Review status: criteria provided, single submitter. Criteria: Invitae Variant Classification Sherloc (09022015). Collection method: clinical testing. Allele origin: germline.